The following is an entry in ClinVar:

NM_001370466.1(NOD2):c.2828A>G (p.Glu943Gly)

Gene: NOD2 (nucleotide binding oligomerization domain containing 2; plus strand). Cytogenetic location: 16q12.1.
Variant type: single nucleotide variant.
Coding change: c.2828A>G on transcript NM_001370466.1 (MANE Select); coding-DNA position 2828, A replaced by G.
Protein change: p.Glu943Gly; replaces glutamic acid 943 with glycine.
Molecular consequence: missense variant. On other transcripts: non-coding transcript variant (1).
Genome position (GRCh38, 1-based): chr16:50,725,515, A>G. VCF-style: chr16-50725515-A-G. GRCh37 (hg19) VCF-style: chr16-50759426-A-G.
Other names: c.2828A>G, p.Glu943Gly (NM_001293557.2); c.2909A>G, p.Glu970Gly (NM_022162.3); short protein forms E943G, E970G.
Identifiers: ClinVar variation 1349073 (VCV001349073.31), dbSNP rs371389581, ClinGen allele CA8052021.

ClinVar aggregate classification (germline): Conflicting classifications of pathogenicity. Review status: criteria provided, conflicting classifications (1 of 4 stars). 2 submissions from 2 submitters: Uncertain significance (1); Likely benign (1). Last evaluated 2023-05-19.

Conditions:
Blau syndrome (BLAUS). Also called: ARTHROCUTANEOUVEAL GRANULOMATOSIS; GRANULOMATOSIS, FAMILIAL JUVENILE SYSTEMIC; GRANULOMATOSIS, FAMILIAL, BLAU TYPE; GRANULOMATOUS INFLAMMATORY ARTHRITIS, DERMATITIS, AND UVEITIS, FAMILIAL; JABS SYNDROME. Identifiers: Orphanet 90340, MedGen C5201146, MONDO:0008523, OMIM 186580.
Regional enteritis. Also called: Enteritis, Granulomatous. Identifiers: MedGen C0678202, MeSH D003424.

Allele frequency attached by ClinVar (database versions not stated): ExAC 0.00001; gnomAD 0.00001; gnomAD exomes 0.00001 and 0.00002; TOPMed 0.00001; ESP Exome Variant Server 0.00008.
gnomAD v4.1: 16 of 1,613,922 alleles (0.00099%); highest among the groups gnomAD compares: Middle Eastern, 0.016%; no homozygotes.

Submissions (2):

Labcorp Genetics (formerly Invitae), Labcorp
Classification: Uncertain significance for Regional enteritis; Blau syndrome. Last evaluated: 2023-05-19. Review status: criteria provided, single submitter. Criteria: Invitae Variant Classification Sherloc (09022015). Collection method: clinical testing. Allele origin: germline.
Comment: In summary, the available evidence is currently insufficient to determine the role of this variant in disease. Therefore, it has been classified as a Variant of Uncertain Significance. Advanced modeling of protein sequence and biophysical properties (such as structural, functional, and spatial information, amino acid conservation, physicochemical variation, residue mobility, and thermodynamic stability) performed at Invitae indicates that this missense variant is not expected to disrupt NOD2 protein function. ClinVar contains an entry for this variant (Variation ID: 1349073). This missense change has been observed in individual(s) with familial Mediterranean fever (PMID: 30783801). This variant is present in population databases (rs371389581, gnomAD 0.004%). This sequence change replaces glutamic acid, which is acidic and polar, with glycine, which is neutral and non-polar, at codon 970 of the NOD2 protein (p.Glu970Gly).

CeGaT Center for Human Genetics Tuebingen
Classification: Likely benign. Last evaluated: 2023-02-01. Review status: criteria provided, single submitter. Criteria: CeGaT Center For Human Genetics Tuebingen Variant Classification Criteria Version 2. Collection method: clinical testing. Allele origin: germline. Affected: yes. Observed: 1 variant allele.
Comment: NOD2: BP4

Literature cited by the submitters: PubMed 30783801 (cited by Labcorp Genetics (formerly Invitae), Labcorp).